The following is an entry in ClinVar:

NM_199420.4(POLQ):c.3365G>A (p.Cys1122Tyr)

Gene: POLQ (DNA polymerase theta; minus strand). Cytogenetic location: 3q13.33.
Variant type: single nucleotide variant.
Coding change: c.3365G>A on transcript NM_199420.4 (MANE Select); coding-DNA position 3365, G replaced by A.
Protein change: p.Cys1122Tyr; replaces cysteine 1122 with tyrosine.
Molecular consequence: missense variant.
Genome position (GRCh38, 1-based): chr3:121,489,566, C>T on the plus strand (G>A on the coding strand, the complement: POLQ is on the minus strand). VCF-style: chr3-121489566-C-T. GRCh37 (hg19) VCF-style: chr3-121208413-C-T.
Other names: short protein forms C1122Y.
Identifiers: ClinVar variation 1730656 (VCV001730656.2), dbSNP rs770001244, ClinGen allele CA2563069.

ClinVar aggregate classification (germline): Uncertain significance (1 of 4 stars; one submission).

Allele frequency attached by ClinVar (database versions not stated): gnomAD 0.00001; ExAC 0.00002.
gnomAD v4.1: 5 of 1,612,796 alleles (0.00031%); highest among the groups gnomAD compares: Admixed American, 0.0084%; no homozygotes.

Submission:

Ambry Genetics
Classification: Uncertain significance. Last evaluated: 2023-09-30. Review status: criteria provided, single submitter. Criteria: Ambry Variant Classification Scheme 2023. Collection method: clinical testing. Allele origin: germline.
Comment: The p.C1122Y variant (also known as c.3365G>A), located in coding exon 16 of the POLQ gene, results from a G to A substitution at nucleotide position 3365. The cysteine at codon 1122 is replaced by tyrosine, an amino acid with highly dissimilar properties. This amino acid position is conserved. In addition, this alteration is predicted to be tolerated by in silico analysis. Since supporting evidence is limited at this time, the clinical significance of this alteration remains unclear.